The following is an entry in ClinVar:

NM_006361.6(HOXB13):c.826G>A (p.Ala276Thr)

Gene: HOXB13 (homeobox B13; minus strand). Cytogenetic location: 17q21.32.
Variant type: single nucleotide variant.
Coding change: c.826G>A on transcript NM_006361.6 (MANE Select); coding-DNA position 826, G replaced by A.
Protein change: p.Ala276Thr; replaces alanine 276 with threonine.
Molecular consequence: missense variant.
Genome position (GRCh38, 1-based): chr17:48,726,819, C>T on the plus strand (G>A on the coding strand, the complement: HOXB13 is on the minus strand). VCF-style: chr17-48726819-C-T. GRCh37 (hg19) VCF-style: chr17-46804181-C-T.
Other names: short protein forms A276T.
Identifiers: ClinVar variation 827545 (VCV000827545.20), dbSNP rs191886930, ClinGen allele CA8633902.
Genomic context (GRCh38, chr17:48,726,819, plus strand): 5'-TTCGCTCCTCCCACCCAGGCAAGGAGATCTCTTAAGGGGTAGCGCTGTTCTTCACCTTGG[C>T]GAGAACCTTCTTCTCTTTGACCCGGCGGTTCTGAAACCAGATGGTAATCTGGCGCTCCGA-3'
Protein context (NP_006352.2, residues 266-284): NRRVKEKKVL[Ala276Thr]KVKNSATP

ClinVar aggregate classification (germline): Uncertain significance. Review status: criteria provided, multiple submitters, no conflicts (2 of 4 stars). 4 submissions from 4 submitters: Uncertain significance (4). Last evaluated 2025-09-10.

Conditions:
Hereditary cancer-predisposing syndrome. Also called: Neoplastic Syndromes, Hereditary; Tumor predisposition; Hereditary neoplastic syndrome; Hereditary Cancer Syndrome. Identifiers: Orphanet 140162, MedGen C0027672, MeSH D009386, MONDO:0015356.

Allele frequency attached by ClinVar (database versions not stated): gnomAD exomes below 0.00001 and 0.00001; TOPMed below 0.00001; ExAC 0.00001; gnomAD 0.00001; 1000 Genomes Project 30x 0.00016; 1000 Genomes Project 0.00020.
gnomAD v4.1: 9 of 1,614,166 alleles (0.00056%); highest among the groups gnomAD compares: East Asian, 0.011%; no homozygotes.

Submissions (4):

Labcorp Genetics (formerly Invitae), Labcorp
Classification: Uncertain significance. Last evaluated: 2025-09-10. Review status: criteria provided, single submitter. Criteria: Invitae Variant Classification Sherloc (09022015). Collection method: clinical testing. Allele origin: germline.
Comment: This sequence change replaces alanine, which is neutral and non-polar, with threonine, which is neutral and polar, at codon 276 of the HOXB13 protein (p.Ala276Thr). This variant is present in population databases (rs191886930, gnomAD 0.006%). This missense change has been observed in individual(s) with prostate cancer (PMID: 31214711). ClinVar contains an entry for this variant (Variation ID: 827545). Invitae Evidence Modeling of protein sequence and biophysical properties (such as structural, functional, and spatial information, amino acid conservation, physicochemical variation, residue mobility, and thermodynamic stability) indicates that this missense variant is not expected to disrupt HOXB13 protein function with a negative predictive value of 80%. In summary, the available evidence is currently insufficient to determine the role of this variant in disease. Therefore, it has been classified as a Variant of Uncertain Significance.

Ambry Genetics
Classification: Uncertain significance for Hereditary cancer-predisposing syndrome. Last evaluated: 2024-09-06. Review status: criteria provided, single submitter. Criteria: Ambry Variant Classification Scheme 2023. Collection method: clinical testing. Allele origin: germline.
Comment: The p.A276T variant (also known as c.826G>A), located in coding exon 2 of the HOXB13 gene, results from a G to A substitution at nucleotide position 826. The alanine at codon 276 is replaced by threonine, an amino acid with similar properties. This amino acid position is not well conserved in available vertebrate species. In addition, this alteration is predicted to be tolerated by in silico analysis. Based on the available evidence, the clinical significance of this variant remains unclear.

GeneDx
Classification: Uncertain significance. Last evaluated: 2024-08-14. Review status: criteria provided, single submitter. Criteria: GeneDx Variant Classification Process June 2021. Collection method: clinical testing. Allele origin: germline. Affected: yes.
Comment: Not observed at significant frequency in large population cohorts (gnomAD); In silico analysis indicates that this missense variant does not alter protein structure/function; Observed in individuals with prostate cancer as well as in unaffected controls (PMID: 31214711); This variant is associated with the following publications: (PMID: 19389631, 36243179, 31214711)

Quest Diagnostics Nichols Institute San Juan Capistrano
Classification: Uncertain significance. Last evaluated: 2023-08-28. Review status: criteria provided, single submitter. Criteria: Quest Diagnostics criteria. Collection method: clinical testing. Allele origin: unknown.
Comment: In the published literature, this variant has been reported in an individual with prostate cancer and in unaffected controls (PMIDs: 31214711 (2020), 36243179 (2022)). The frequency of this variant in the general population, 0.000004 (1/251468 chromosomes (Genome Aggregation Database)), is uninformative in the assessment of its pathogenicity. Analysis of this variant using bioinformatics tools for the prediction of the effect of amino acid changes on protein structure and function yielded conflicting predictions that this variant is benign or damaging. Based on the available information, we are unable to determine the clinical significance of this variant.

Literature cited by the submitters: PubMed 31214711 (cited by 3 submitters); PubMed 36243179 (cited by Quest Diagnostics Nichols Institute San Juan Capistrano).